The following is an entry in ClinVar:

ClinVar aggregate classification (germline): Pathogenic (1 of 4 stars; one submission).

Conditions:
Hereditary breast ovarian cancer syndrome. Also called: Breast and ovarian cancer; BRCA1- and BRCA2-Associated Hereditary Breast and Ovarian Cancer; Hereditary breast and ovarian cancer; Hereditary breast and ovarian cancer syndrome (HBOC); Hereditary breast and ovarian cancer syndrome; Hereditary breast and/or ovarian cancer syndrome. Identifiers: Orphanet 145, MedGen C0677776, MeSH D061325, MONDO:0003582. Disease mechanism: loss of function.

Submission:

Labcorp Genetics (formerly Invitae), Labcorp
Classification: Pathogenic for Hereditary breast ovarian cancer syndrome. Last evaluated: 2022-08-07. Review status: criteria provided, single submitter. Criteria: Invitae Variant Classification Sherloc (09022015). Collection method: clinical testing. Allele origin: germline.
Comment: This variant has not been reported in the literature in individuals affected with BRCA2-related conditions. This variant disrupts a region of the BRCA2 protein in which other variant(s) (p.Tyr3308*) have been determined to be pathogenic (PMID: 17026620, 18593900, 18607349, 22711857). This suggests that this is a clinically significant region of the protein, and that variants that disrupt it are likely to be disease-causing. For these reasons, this variant has been classified as Pathogenic. This sequence change creates a premature translational stop signal (p.Lys3254Leufs*2) in the BRCA2 gene. While this is not anticipated to result in nonsense mediated decay, it is expected to disrupt the last 165 amino acid(s) of the BRCA2 protein. This variant is not present in population databases (gnomAD no frequency).

Literature cited by the submitters: PubMed 17026620; PubMed 18593900; PubMed 18607349; PubMed 22711857.

NM_000059.4(BRCA2):c.9756_9759dup (p.Lys3254delinsLeuTer)

Gene: BRCA2 (BRCA2 DNA repair associated; plus strand). Cytogenetic location: 13q13.1.
Variant type: Duplication.
Coding change: c.9756_9759dup on transcript NM_000059.4 (MANE Select); coding-DNA positions 9756 to 9759, 4 bases duplicated (TTGT; older notation c.9756_9759dupTTGT).
Protein change: p.Lys3254delinsLeuTer.
Molecular consequence: nonsense. On other transcripts: frameshift variant (4).
Genome position (GRCh38, 1-based): chr13:32,398,269-32,398,272, TTGT duplicated. VCF-style (leftmost placement, unchanged base first): chr13-32398268-C-CTTGT. GRCh37 (hg19) VCF-style: chr13-32972405-C-CTTGT.
Other names: c.9660_9663dup, p.Lys3222Leufs (NM_001406719.1); c.9705_9708dup, p.Lys3237Leufs (NM_001406720.1); c.4824_4827dup, p.Lys1610Leufs (NM_001406721.1); c.3339_3342dup, p.Lys1115Leufs (NM_001406722.1).
Identifiers: ClinVar variation 2022368 (VCV002022368.4), dbSNP rs2548564784, ClinGen allele CA2580087450.
Genomic context (GRCh38, chr13:32,398,268, plus strand): 5'-TTTGTATGGCCAAAAGGAAGTCTGTTTCCACACCTGTCTCAGCCCAGATGACTTCAAAGT[C>CTTGT]TTGTAAAGGGGAGAAAGAGATTGATGACCAAAAGAACTGCAAAAAGAGAAGAGCCTTGGA-3'